The following is an entry in ClinVar:

NM_000334.4(SCN4A):c.5283C>T (p.Ser1761=)

Genes: GH-LCR (growth hormone locus control region; plus strand), SCN4A (sodium voltage-gated channel alpha subunit 4; minus strand). Cytogenetic location: 17q23.3.
Variant type: single nucleotide variant.
Coding change: c.5283C>T on transcript NM_000334.4 (MANE Select); coding-DNA position 5283, C replaced by T.
Protein change: p.Ser1761=; no amino-acid change (serine 1761 retained).
Molecular consequence: synonymous variant.
Genome position (GRCh38, 1-based): chr17:63,940,999, G>A on the plus strand (C>T on the coding strand, the complement: SCN4A is on the minus strand). VCF-style: chr17-63940999-G-A. GRCh37 (hg19) VCF-style: chr17-62018359-G-A.
Identifiers: ClinVar variation 1632771 (VCV001632771.18), dbSNP rs766569872, ClinGen allele CA8708791.
Genomic context (GRCh38, chr17:63,940,999, plus strand): 5'-GCCATACATCTTGCTCATGGTGTTGGCAAGCAGCCCCTCCTTCTCAGGGGCGTCATCCCC[G>A]CTGCCGTCGTGGCTGTGGCGGTACATGTAGGATGCCTGCTTCATGGAGCGCTGTAGCAGG-3'
Protein context (NP_000325.4, residues 1751-1771): SYMYRHSHDG[Ser1761=]GDDAPEKEGL

ClinVar aggregate classification (germline): Likely benign. Review status: criteria provided, multiple submitters, no conflicts (2 of 4 stars). 3 submissions from 3 submitters: Likely benign (3). Last evaluated 2025-08-13.

Conditions:
SCN4A-related disorder. Also called: SCN4A-related disorders.
Potassium-aggravated myotonia. Also called: MYOTONIA CONGENITA, ACETAZOLAMIDE-RESPONSIVE; MYOTONIA CONGENITA, ATYPICAL; SODIUM CHANNEL MUSCLE DISEASE; Myotonia congenita, atypical, acetazolamide-responsive. Identifiers: Orphanet 612, Orphanet 99734, Orphanet 99735, Orphanet 99736, MedGen C2931826, MONDO:0018959, OMIM 608390.
Hypokalemic periodic paralysis, type 1. Also called: HypoPP; Hypokalemic Periodic Paralysis Type 1 (AD). Identifiers: Orphanet 681, MedGen C3714580, MONDO:0042979, OMIM 170400.
Paramyotonia congenita of Von Eulenburg. Also called: PARALYSIS PERIODICA PARAMYOTONICA; Paramyotonia Congenita; Eulenburg disease; Myotonia congenita intermittens; Von Eulenburg paramyotonia congenita. Identifiers: Orphanet 684, MedGen C0221055, MONDO:0008195, OMIM 168300. Disease mechanism: loss of function.
Hypokalemic periodic paralysis, type 2 (HOKPP2). Identifiers: Orphanet 681, MedGen C2750061, MONDO:0013234, OMIM 613345.
Hyperkalemic periodic paralysis. Also called: Familial hyperkalemic periodic paralysis; Gamstorp disease. Identifiers: Orphanet 682, MedGen C0238357, MONDO:0008224, OMIM 170500, HP:0007215.
Congenital myasthenic syndrome 16. Identifiers: Orphanet 590, MedGen C3280112, MONDO:0013620, OMIM 614198.

Allele frequency attached by ClinVar (database versions not stated): gnomAD exomes 0.00001; gnomAD 0.00001 and 0.00002; TOPMed 0.00003; ExAC 0.00001.
gnomAD v4.1: 15 of 1,613,196 alleles (0.00093%); highest among the groups gnomAD compares: Admixed American, 0.0033%; no homozygotes.

Submissions (3):

PreventionGenetics, part of Exact Sciences
Classification: Likely benign for SCN4A-related condition. Last evaluated: 2025-08-13. Review status: criteria provided, single submitter. Criteria: ACMG Guidelines, 2015. Collection method: clinical testing. Allele origin: germline.
Comment: This variant is classified as likely benign based on ACMG/AMP sequence variant interpretation guidelines (Richards et al. 2015 PMID: 25741868, with internal and published modifications).

Labcorp Genetics (formerly Invitae), Labcorp
Classification: Likely benign for Hyperkalemic periodic paralysis. Last evaluated: 2024-10-29. Review status: criteria provided, single submitter. Criteria: Invitae Variant Classification Sherloc (09022015). Collection method: clinical testing. Allele origin: germline.

Fulgent Genetics
Classification: Likely benign for Paramyotonia congenita of Von Eulenburg; Hypokalemic periodic paralysis, type 1; Hyperkalemic periodic paralysis; Potassium-aggravated myotonia; Hypokalemic periodic paralysis, type 2; Congenital myasthenic syndrome 16. Last evaluated: 2022-01-25. Review status: criteria provided, single submitter. Criteria: ACMG Guidelines, 2015. Collection method: clinical testing. Allele origin: unknown.